The following is an entry in ClinVar:

NM_000346.4(SOX9):c.1112C>T (p.Ala371Val)

Gene: SOX9 (SRY-box transcription factor 9; plus strand). Cytogenetic location: 17q24.3.
Variant type: single nucleotide variant.
Coding change: c.1112C>T on transcript NM_000346.4 (MANE Select); coding-DNA position 1112, C replaced by T.
Protein change: p.Ala371Val; replaces alanine 371 with valine.
Molecular consequence: missense variant.
Genome position (GRCh38, 1-based): chr17:72,123,969, C>T. VCF-style: chr17-72123969-C-T. GRCh37 (hg19) VCF-style: chr17-70120110-C-T.
Other names: c.1112C>T (NM_000346.3); short protein forms A371V.
Identifiers: ClinVar variation 2887288 (VCV002887288.4), dbSNP rs376470765, ClinGen allele CA8739097.
Genomic context (GRCh38, chr17:72,123,969, plus strand): 5'-AGGCCCCGCCGGCCCCGCAGGCGCCCCCGCAGCCGCAGGCGGCGCCCCCACAGCAGCCGG[C>T]GGCACCCCCGCAGCAGCCACAGGCGCACACGCTGACCACGCTGAGCAGCGAGCCGGGCCA-3'
Protein context (NP_000337.1, residues 361-381): QPQAAPPQQP[Ala371Val]APPQQPQAHT

ClinVar aggregate classification (germline): Uncertain significance. Review status: criteria provided, multiple submitters, no conflicts (2 of 4 stars). 2 submissions from 2 submitters: Uncertain significance (2). Last evaluated 2025-05-14.

Conditions:
Camptomelic dysplasia (CMPD). Also called: Campomelic Dysplasia; CMPD1/SRA1. Identifiers: Orphanet 140, MedGen C1861922, MONDO:0007251, OMIM 114290.
Inborn genetic diseases. Identifiers: MedGen C0950123, MeSH D030342.

Allele frequency attached by ClinVar (database versions not stated): ESP Exome Variant Server 0.00008.
gnomAD v4.1: 38 of 1,475,414 alleles (0.0026%); highest among the groups gnomAD compares: African/African-American, 0.0043%; no homozygotes.

Submissions (2):

Ambry Genetics
Classification: Uncertain significance for Inborn genetic diseases. Last evaluated: 2025-05-14. Review status: criteria provided, single submitter. Criteria: Ambry Variant Classification Scheme 2023. Collection method: clinical testing. Allele origin: germline.

Labcorp Genetics (formerly Invitae), Labcorp
Classification: Uncertain significance for Camptomelic dysplasia. Last evaluated: 2022-12-03. Review status: criteria provided, single submitter. Criteria: Invitae Variant Classification Sherloc (09022015). Collection method: clinical testing. Allele origin: germline.
Comment: In summary, the available evidence is currently insufficient to determine the role of this variant in disease. Therefore, it has been classified as a Variant of Uncertain Significance. Advanced modeling of protein sequence and biophysical properties (such as structural, functional, and spatial information, amino acid conservation, physicochemical variation, residue mobility, and thermodynamic stability) performed at Invitae indicates that this missense variant is not expected to disrupt SOX9 protein function. This variant has not been reported in the literature in individuals affected with SOX9-related conditions. The frequency data for this variant in the population databases is considered unreliable, as metrics indicate poor data quality at this position in the gnomAD database. This sequence change replaces alanine, which is neutral and non-polar, with valine, which is neutral and non-polar, at codon 371 of the SOX9 protein (p.Ala371Val).